The following is an entry in ClinVar:

ClinVar aggregate classification (germline): Uncertain significance. Review status: criteria provided, multiple submitters, no conflicts (2 of 4 stars). 4 submissions from 4 submitters: Uncertain significance (4). Last evaluated 2024-05-06.

Conditions:
Retinitis pigmentosa 81 (RP81). Identifiers: MedGen C4693443, MONDO:0036482, OMIM 617871.
Cranioectodermal dysplasia 3 (CED3). Identifiers: Orphanet 1515, MedGen C3279807, MONDO:0013573, OMIM 614099.
Short-rib thoracic dysplasia 18 with polydactyly. Identifiers: MedGen C4693420, MONDO:0036483, OMIM 617866.

Allele frequency attached by ClinVar (database versions not stated): gnomAD 0.00021 and 0.00024; TOPMed 0.00035; ESP Exome Variant Server 0.00038.
gnomAD v4.1: 115 of 1,613,728 alleles (0.0071%); highest among the groups gnomAD compares: African/African-American, 0.09%; no homozygotes.

Submissions (4):

Ambry Genetics
Classification: Uncertain significance. Last evaluated: 2024-05-06. Review status: criteria provided, single submitter. Criteria: Ambry Variant Classification Scheme 2023. Collection method: clinical testing. Allele origin: germline.

Fulgent Genetics
Classification: Uncertain significance for Cranioectodermal dysplasia 3; Short-rib thoracic dysplasia 18 with polydactyly; Retinitis pigmentosa 81. Last evaluated: 2024-02-22. Review status: criteria provided, single submitter. Criteria: ACMG Guidelines, 2015. Collection method: clinical testing. Allele origin: germline.

Labcorp Genetics (formerly Invitae), Labcorp
Classification: Uncertain significance. Last evaluated: 2022-10-25. Review status: criteria provided, single submitter. Criteria: Invitae Variant Classification Sherloc (09022015). Collection method: clinical testing. Allele origin: germline.
Comment: This sequence change replaces alanine, which is neutral and non-polar, with valine, which is neutral and non-polar, at codon 31 of the IFT43 protein (p.Ala31Val). This variant is present in population databases (rs147933112, gnomAD 0.05%). This variant has not been reported in the literature in individuals affected with IFT43-related conditions. ClinVar contains an entry for this variant (Variation ID: 314467). Algorithms developed to predict the effect of missense changes on protein structure and function output the following: SIFT: "Tolerated"; PolyPhen-2: "Benign"; Align-GVGD: "Class C0". The valine amino acid residue is found in multiple mammalian species, which suggests that this missense change does not adversely affect protein function. In summary, the available evidence is currently insufficient to determine the role of this variant in disease. Therefore, it has been classified as a Variant of Uncertain Significance.

Breakthrough Genomics
Classification: Uncertain significance. Review status: criteria provided, single submitter. Criteria: ACMG Guidelines, 2015. Collection method: not provided. Allele origin: germline. Inheritance: Autosomal recessive inheritance. Affected: yes.

NM_001102564.3(IFT43):c.92C>T (p.Ala31Val)

Gene: IFT43 (intraflagellar transport 43; plus strand). Cytogenetic location: 14q24.3.
Variant type: single nucleotide variant.
Coding change: c.92C>T on transcript NM_001102564.3 (MANE Select); coding-DNA position 92, C replaced by T.
Protein change: p.Ala31Val; replaces alanine 31 with valine.
Molecular consequence: missense variant. On other transcripts: non-coding transcript variant (2).
Genome position (GRCh38, 1-based): chr14:75,988,922, C>T. VCF-style: chr14-75988922-C-T. GRCh37 (hg19) VCF-style: chr14-76455265-C-T.
Other names: c.92C>T, p.Ala31Val (NM_001255995.3, NM_052873.3); short protein forms A31V.
Identifiers: ClinVar variation 314467 (VCV000314467.8), dbSNP rs147933112, ClinGen allele CA7280635.